The following is an entry in ClinVar:

NM_031433.4(MFRP):c.987G>A (p.Trp329Ter)

Genes: C1QTNF5 (C1q and TNF related 5; minus strand), MFRP (membrane frizzled-related protein; minus strand). Cytogenetic location: 11q23.3.
Variant type: single nucleotide variant.
Coding change: c.987G>A on transcript NM_031433.4 (MANE Select); coding-DNA position 987, G replaced by A.
Protein change: p.Trp329Ter; replaces tryptophan 329 with a stop codon.
Molecular consequence: nonsense. On other transcripts: 5 prime UTR variant (1).
Genome position (GRCh38, 1-based): chr11:119,343,953, C>T on the plus strand (G>A on the coding strand, the complement: MFRP is on the minus strand). VCF-style: chr11-119343953-C-T. GRCh37 (hg19) VCF-style: chr11-119214663-C-T.
Other names: c.-1650G>A (NM_015645.5); short protein forms W329*.
Identifiers: ClinVar variation 834143 (VCV000834143.8), dbSNP rs1166512859, ClinGen allele CA382975730.

ClinVar aggregate classification (germline): Pathogenic (1 of 4 stars; one submission).

Conditions:
Isolated microphthalmia 5. Also called: Posterior Microphthalmia with Retinitis Pigmentosa, Foveoschisis, and Optic Disc Drusen. Identifiers: Orphanet 251279, MedGen C1970236, MONDO:0012605, OMIM 611040.

Allele frequency attached by ClinVar (database versions not stated): gnomAD exomes below 0.00001; TOPMed below 0.00001.
gnomAD v4.1: 4 of 1,612,886 alleles (0.00025%); highest among the groups gnomAD compares: African/African-American, 0.0013%; no homozygotes.

Submission:

Labcorp Genetics (formerly Invitae), Labcorp
Classification: Pathogenic for Isolated microphthalmia 5. Last evaluated: 2021-01-22. Review status: criteria provided, single submitter. Criteria: Invitae Variant Classification Sherloc (09022015). Collection method: clinical testing. Allele origin: germline.
Comment: This sequence change creates a premature translational stop signal (p.Trp329*) in the MFRP gene. It is expected to result in an absent or disrupted protein product. This variant is not present in population databases (ExAC no frequency). This variant has not been reported in the literature in individuals with MFRP-related conditions. Loss-of-function variants in MFRP are known to be pathogenic (PMID: 12140190, 15976030, 20361016). For these reasons, this variant has been classified as Pathogenic.

Literature cited by the submitters: PubMed 12140190; PubMed 15976030; PubMed 20361016.